The following is an entry in ClinVar:

NM_001009944.3(PKD1):c.7502C>T (p.Ala2501Val)

Gene: PKD1 (polycystin 1, transient receptor potential channel interacting; minus strand). Cytogenetic location: 16p13.3.
Variant type: single nucleotide variant.
Coding change: c.7502C>T on transcript NM_001009944.3 (MANE Select); coding-DNA position 7502, C replaced by T.
Protein change: p.Ala2501Val; replaces alanine 2501 with valine.
Molecular consequence: missense variant.
Genome position (GRCh38, 1-based): chr16:2,106,292, G>A on the plus strand (C>T on the coding strand, the complement: PKD1 is on the minus strand). VCF-style: chr16-2106292-G-A. GRCh37 (hg19) VCF-style: chr16-2156293-G-A.
Other names: c.7502C>T, p.Ala2501Val (NM_000296.4); short protein forms A2501V.
Identifiers: ClinVar variation 4927749 (VCV004927749.2).
Genomic context (GRCh38, chr16:2,106,292, plus strand): 5'-TGGCCCTGGCGACAGCGCCGCAGCAGCAGGGCGTACACCAGCGGGGCGCCAGCATCCTCC[G>A]CGTCATGCCAGCCTGAGGGACGGTCCCCACGGCATCACGGGAGGGCTCCGTGACGTCACA-3'
Protein context (NP_001009944.3, residues 2491-2511): VHFECTGWHD[Ala2501Val]EDAGAPLVYA

ClinVar aggregate classification (germline): Likely benign. Review status: criteria provided, multiple submitters, no conflicts (2 of 4 stars). 2 submissions from 2 submitters: Likely benign (2). Last evaluated 2025-05-01.

Conditions:
PKD1-related disorder. Also called: PKD1-related condition.

gnomAD v4.1: 62 of 1,609,636 alleles (0.0039%); highest among the groups gnomAD compares: Admixed American, 0.015%; 1 homozygote.

Submissions (2):

PreventionGenetics, part of Exact Sciences
Classification: Likely benign for PKD1-related condition. Last evaluated: 2025-05-01. Review status: criteria provided, single submitter. Criteria: ACMG Guidelines, 2015. Collection method: clinical testing. Allele origin: germline.
Comment: This variant is classified as likely benign based on ACMG/AMP sequence variant interpretation guidelines (Richards et al. 2015 PMID: 25741868, with internal and published modifications).

Blueprint Genetics
Classification: Likely benign. Last evaluated: 2024-10-02. Review status: criteria provided, single submitter. Criteria: ACMG Guidelines, 2015. Collection method: clinical testing. Allele origin: germline.